The following is an entry in ClinVar:

NM_017433.5(MYO3A):c.4583A>G (p.Asp1528Gly)

Gene: MYO3A (myosin IIIA; plus strand). Cytogenetic location: 10p12.1.
Variant type: single nucleotide variant.
Coding change: c.4583A>G on transcript NM_017433.5 (MANE Select); coding-DNA position 4583, A replaced by G.
Protein change: p.Asp1528Gly; replaces aspartic acid 1528 with glycine.
Molecular consequence: missense variant.
Genome position (GRCh38, 1-based): chr10:26,201,302, A>G. VCF-style: chr10-26201302-A-G. GRCh37 (hg19) VCF-style: chr10-26490231-A-G.
Other names: short protein forms D1528G.
Identifiers: ClinVar variation 3347192 (VCV003347192.1).
Genomic context (GRCh38, chr10:26,201,302, plus strand): 5'-TTTTGAATTCTTCTTTCCTTTAGAAGTCAATCCAAGAAGAAAAACGAAGACCAAGGAAAG[A>G]CAGGTAATTATTACTTCTGGATTTCAATCAGTCATCTTATTCAAACAAAAATAAAAATCC-3'
Protein context (NP_059129.3, residues 1518-1538): IQEEKRRPRK[Asp1528Gly]SQGKLLDLED

ClinVar aggregate classification (germline): Uncertain significance (0 of 4 stars; one submission).

Conditions:
MYO3A-related disorder. Also called: MYO3A-related condition.

gnomAD v4.1: 2 of 1,578,220 alleles (0.00013%); highest among the groups gnomAD compares: Admixed American, 0.0017%; no homozygotes.

Submission:

PreventionGenetics, part of Exact Sciences
Classification: Uncertain significance for MYO3A-related condition. Last evaluated: 2024-09-17. Review status: no assertion criteria provided. Collection method: clinical testing. Allele origin: germline.
Comment: The MYO3A c.4583A>G variant is predicted to result in the amino acid substitution p.Asp1528Gly. To our knowledge, this variant has not been reported in the literature. This variant is reported in 0.0030% of alleles in individuals of Latino descent in gnomAD. At this time, the clinical significance of this variant is uncertain due to the absence of conclusive functional and genetic evidence.